The following is an entry in ClinVar:

NM_001242896.3(DEPDC5):c.2528G>A (p.Arg843Gln)

Gene: DEPDC5 (DEP domain containing 5, GATOR1 subcomplex subunit; plus strand). Cytogenetic location: 22q12.3.
Variant type: single nucleotide variant.
Coding change: c.2528G>A on transcript NM_001242896.3 (MANE Select); coding-DNA position 2528, G replaced by A.
Protein change: p.Arg843Gln; replaces arginine 843 with glutamine.
Molecular consequence: missense variant. On other transcripts: non-coding transcript variant (5).
Genome position (GRCh38, 1-based): chr22:31,843,107, G>A. VCF-style: chr22-31843107-G-A. GRCh37 (hg19) VCF-style: chr22-32239093-G-A.
Other names: c.2528G>A (NM_001242896.1); c.2501G>A, p.Arg834Gln (NM_001136029.4, NM_001369903.1, NM_014662.6); c.2294G>A, p.Arg765Gln (NM_001242897.2, NM_001363854.2, NM_001364319.2); c.2528G>A, p.Arg843Gln (NM_001363852.2, NM_001364318.2, NM_001364320.2); c.2444G>A, p.Arg815Gln (NM_001369901.1, NM_001369902.1); short protein forms R765Q, R834Q, R815Q, R843Q.
Identifiers: ClinVar variation 1041422 (VCV001041422.9), dbSNP rs756611357, ClinGen allele CA10196743.
Genomic context (GRCh38, chr22:31,843,107, plus strand): 5'-TAGGAATGAGCTTCAAACAGATGGAGGAAATTATTATTTTTCTGTTAGGCCTTGTGTCCC[G>A]AAACCGCCCTGAGGAGGAGGACCAGTATTGGCTGAGTATGGGCAGAACGTTCCACAAAGT-3'
Protein context (NP_001229825.1, residues 833-853): SPLYSRGLVS[Arg843Gln]NRPEEEDQYW

ClinVar aggregate classification (germline): Uncertain significance. Review status: criteria provided, multiple submitters, no conflicts (2 of 4 stars). 2 submissions from 2 submitters: Uncertain significance (2). Last evaluated 2024-06-28.

Conditions:
Inborn genetic diseases. Identifiers: MedGen C0950123, MeSH D030342.
Familial focal epilepsy with variable foci (FPEVF). Identifiers: Orphanet 98820, MedGen C1858477, MONDO:0020310.

Allele frequency attached by ClinVar (database versions not stated): ExAC 0.00001; gnomAD exomes 0.00001; TOPMed 0.00001.
gnomAD v4.1: 13 of 1,613,118 alleles (0.00081%); highest among the groups gnomAD compares: East Asian, 0.0022%; no homozygotes.

Submissions (2):

Labcorp Genetics (formerly Invitae), Labcorp
Classification: Uncertain significance for Familial focal epilepsy with variable foci. Last evaluated: 2024-06-28. Review status: criteria provided, single submitter. Criteria: Invitae Variant Classification Sherloc (09022015). Collection method: clinical testing. Allele origin: germline.
Comment: This sequence change replaces arginine, which is basic and polar, with glutamine, which is neutral and polar, at codon 843 of the DEPDC5 protein (p.Arg843Gln). This variant is present in population databases (rs756611357, gnomAD 0.0009%). This variant has not been reported in the literature in individuals affected with DEPDC5-related conditions. ClinVar contains an entry for this variant (Variation ID: 1041422). Experimental studies and prediction algorithms are not available or were not evaluated, and the functional significance of this variant is currently unknown. In summary, the available evidence is currently insufficient to determine the role of this variant in disease. Therefore, it has been classified as a Variant of Uncertain Significance.

Ambry Genetics
Classification: Uncertain significance for Inborn genetic diseases. Last evaluated: 2021-09-16. Review status: criteria provided, single submitter. Criteria: Ambry Variant Classification Scheme 2023. Collection method: clinical testing. Allele origin: germline.